The following is an entry in ClinVar:

NM_000303.3(PMM2):c.130G>C (p.Val44Leu)

Gene: PMM2 (phosphomannomutase 2; plus strand). Cytogenetic location: 16p13.2.
Variant type: single nucleotide variant.
Coding change: c.130G>C on transcript NM_000303.3 (MANE Select); coding-DNA position 130, G replaced by C.
Protein change: p.Val44Leu; replaces valine 44 with leucine.
Molecular consequence: missense variant.
Genome position (GRCh38, 1-based): chr16:8,801,862, G>C. VCF-style: chr16-8801862-G-C. GRCh37 (hg19) VCF-style: chr16-8895719-G-C.
Other names: short protein forms V44L.
Identifiers: ClinVar variation 2702046 (VCV002702046.4), dbSNP rs2060618497, ClinGen allele CA394695252.
Genomic context (GRCh38, chr16:8,801,862, plus strand): 5'-ATTACCAAAGAAATGGATGACTTCCTACAAAAATTGAGGCAGAAGATCAAAATCGGAGTG[G>C]TAGGCGGATCGGACTTTGAGAAAGTGCAGGAGCAACTGGGAAATGATGGTAAATGATGGG-3'
Protein context (NP_000294.1, residues 34-54): KLRQKIKIGV[Val44Leu]GGSDFEKVQE

ClinVar aggregate classification (germline): Conflicting classifications of pathogenicity. Review status: criteria provided, conflicting classifications (1 of 4 stars). 2 submissions from 2 submitters: Likely pathogenic (1); Uncertain significance (1). Last evaluated 2025-12-11.

Conditions:
PMM2-congenital disorder of glycosylation. Also called: PMM2-CDG; CDG Ia; JAEKEN SYNDROME; PHOSPHOMANNOMUTASE 2 DEFICIENCY; CARBOHYDRATE-DEFICIENT GLYCOPROTEIN SYNDROME, TYPE Ia; Congenital disorder of glycosylation, type Ia. Identifiers: Orphanet 79318, MedGen C0349653, MONDO:0008907, OMIM 212065.

Submissions (2):

Women's Health and Genetics/Laboratory Corporation of America, LabCorp
Classification: Uncertain significance. Last evaluated: 2025-12-11. Review status: criteria provided, single submitter. Criteria: LabCorp Variant Classification Summary - May 2015. Collection method: clinical testing. Allele origin: germline.
Comment: Variant summary: PMM2 c.130G>C (p.Val44Leu) results in a conservative amino acid change in the encoded protein sequence. Algorithms developed to predict the effect of missense changes on protein structure and function are either unavailable or do not agree on the potential impact of this missense change. The variant was absent in 249792 control chromosomes. The available data on variant occurrences in the general population are insufficient to allow any conclusion about variant significance. To our knowledge, no occurrence of c.130G>C in individuals affected with PMM2-related conditions and no experimental evidence demonstrating its impact on protein function have been reported. A different variant affecting the same codon has been classified as pathogenic by our lab (c.131T>C, p.Val44Ala), supporting the critical relevance of codon 44 to PMM2 protein function. ClinVar contains an entry for this variant (Variation ID: 2702046). Based on the evidence outlined above, the variant was classified as uncertain significance.

Labcorp Genetics (formerly Invitae), Labcorp
Classification: Likely pathogenic for PMM2-congenital disorder of glycosylation. Last evaluated: 2023-12-10. Review status: criteria provided, single submitter. Criteria: Invitae Variant Classification Sherloc (09022015). Collection method: clinical testing. Allele origin: germline.
Comment: This sequence change replaces valine, which is neutral and non-polar, with leucine, which is neutral and non-polar, at codon 44 of the PMM2 protein (p.Val44Leu). This variant is not present in population databases (gnomAD no frequency). This variant has not been reported in the literature in individuals affected with PMM2-related conditions. Advanced modeling of protein sequence and biophysical properties (such as structural, functional, and spatial information, amino acid conservation, physicochemical variation, residue mobility, and thermodynamic stability) performed at Invitae indicates that this missense variant is expected to disrupt PMM2 protein function with a positive predictive value of 95%. This variant disrupts the p.Val44 amino acid residue in PMM2. Other variant(s) that disrupt this residue have been determined to be pathogenic (PMID: 9497260, 21541725, 26014514). This suggests that this residue is clinically significant, and that variants that disrupt this residue are likely to be disease-causing. In summary, the currently available evidence indicates that the variant is pathogenic, but additional data are needed to prove that conclusively. Therefore, this variant has been classified as Likely Pathogenic.

Literature cited by the submitters: PubMed 34859900 (cited by Women's Health and Genetics/Laboratory Corporation of America, LabCorp); PubMed 9497260 (cited by Labcorp Genetics (formerly Invitae), Labcorp); PubMed 21541725 (cited by Labcorp Genetics (formerly Invitae), Labcorp); PubMed 26014514 (cited by Labcorp Genetics (formerly Invitae), Labcorp).